The following is an entry in ClinVar:

NM_031407.7(HUWE1):c.1400G>T (p.Cys467Phe)

Gene: HUWE1 (HECT, UBA and WWE domain containing E3 ubiquitin protein ligase 1; minus strand). Cytogenetic location: Xp11.22.
Variant type: single nucleotide variant.
Coding change: c.1400G>T on transcript NM_031407.7 (MANE Select); coding-DNA position 1400, G replaced by T.
Protein change: p.Cys467Phe; replaces cysteine 467 with phenylalanine.
Molecular consequence: missense variant.
Genome position (GRCh38, 1-based): chrX:53,627,499, C>A on the plus strand (G>T on the coding strand, the complement: HUWE1 is on the minus strand). VCF-style: chrX-53627499-C-A. GRCh37 (hg19) VCF-style: chrX-53654450-C-A.
Other names: c.1400G>T, p.Cys467Phe (NM_001441048.1, NM_001441049.1, NM_001441051.1 and 6 more transcripts); c.1421G>T, p.Cys474Phe (NM_001441050.1, NM_001441055.1); short protein forms C467F, C474F.
Identifiers: ClinVar variation 4529777 (VCV004529777.1).

ClinVar aggregate classification (germline): Uncertain significance (1 of 4 stars; one submission).

Submission:

GeneDx
Classification: Uncertain significance. Last evaluated: 2025-05-11. Review status: criteria provided, single submitter. Criteria: GeneDx Variant Classification Process June 2021. Collection method: clinical testing. Allele origin: germline. Affected: yes.
Comment: Not observed at significant frequency in large population cohorts (gnomAD); In silico analysis supports that this missense variant has a deleterious effect on protein structure/function; Has not been previously published as pathogenic or benign to our knowledge